The following is an entry in ClinVar:

ClinVar aggregate classification (germline): Uncertain significance (1 of 4 stars; one submission).

Conditions:
Neuroblastoma, susceptibility to, 3. Also called: ALK-Related Neuroblastic Tumor Susceptibility. Identifiers: Orphanet 635, MedGen C2751681, MONDO:0013083, OMIM 613014.

Submission:

Labcorp Genetics (formerly Invitae), Labcorp
Classification: Uncertain significance for Neuroblastoma, susceptibility to, 3. Last evaluated: 2023-08-02. Review status: criteria provided, single submitter. Criteria: Invitae Variant Classification Sherloc (09022015). Collection method: clinical testing. Allele origin: germline.
Comment: In summary, the available evidence is currently insufficient to determine the role of this variant in disease. Therefore, it has been classified as a Variant of Uncertain Significance. An algorithm developed to predict the effect of missense changes on protein structure and function (PolyPhen-2) suggests that this variant is likely to be tolerated. This variant has not been reported in the literature in individuals affected with ALK-related conditions. This variant is not present in population databases (gnomAD no frequency). This sequence change replaces valine, which is neutral and non-polar, with alanine, which is neutral and non-polar, at codon 59 of the ALK protein (p.Val59Ala).

NM_004304.5(ALK):c.176T>C (p.Val59Ala)

Gene: ALK (ALK receptor tyrosine kinase; minus strand). Cytogenetic location: 2p23.1.
Variant type: single nucleotide variant.
Coding change: c.176T>C on transcript NM_004304.5 (MANE Select); coding-DNA position 176, T replaced by C.
Protein change: p.Val59Ala; replaces valine 59 with alanine.
Molecular consequence: missense variant.
Genome position (GRCh38, 1-based): chr2:29,920,484, A>G on the plus strand (T>C on the coding strand, the complement: ALK is on the minus strand). VCF-style: chr2-29920484-A-G. GRCh37 (hg19) VCF-style: chr2-30143350-A-G.
Other names: short protein forms V59A.
Identifiers: ClinVar variation 2749210 (VCV002749210.3), dbSNP rs2465867371, ClinGen allele CA346590543.